The following is an entry in ClinVar:

NM_003809.3(TNFSF12):c.323C>T (p.Ala108Val)

Genes: TNFSF12 (TNF superfamily member 12; plus strand), TNFSF12-TNFSF13 (TNFSF12-TNFSF13 readthrough; plus strand). Cytogenetic location: 17p13.1.
Variant type: single nucleotide variant.
Coding change: c.323C>T on transcript NM_003809.3 (MANE Select); coding-DNA position 323, C replaced by T.
Protein change: p.Ala108Val; replaces alanine 108 with valine.
Molecular consequence: missense variant. On other transcripts: non-coding transcript variant (1).
Genome position (GRCh38, 1-based): chr17:7,550,838, C>T. VCF-style: chr17-7550838-C-T. GRCh37 (hg19) VCF-style: chr17-7454155-C-T.
Other names: c.323C>T, p.Ala108Val (NM_172089.4); short protein forms A108V.
Identifiers: ClinVar variation 2008392 (VCV002008392.4), dbSNP rs1463259779, ClinGen allele CA397857369.

ClinVar aggregate classification (germline): Uncertain significance (1 of 4 stars; one submission).

Conditions:
Common variable immunodeficiency (CVID). Also called: Common variable hypogamma-globulinemia; Common variable agammaglobulinemia. Identifiers: Orphanet 1572, MedGen C0009447, MONDO:0015517.

Allele frequency attached by ClinVar (database versions not stated): TOPMed below 0.00001; gnomAD exomes 0.00001.
gnomAD v4.1: 14 of 1,612,730 alleles (0.00087%); highest among the groups gnomAD compares: South Asian, 0.0022%; no homozygotes.

Submission:

Labcorp Genetics (formerly Invitae), Labcorp
Classification: Uncertain significance for Common variable immunodeficiency. Last evaluated: 2022-06-26. Review status: criteria provided, single submitter. Criteria: Invitae Variant Classification Sherloc (09022015). Collection method: clinical testing. Allele origin: germline.
Comment: In summary, the available evidence is currently insufficient to determine the role of this variant in disease. Therefore, it has been classified as a Variant of Uncertain Significance. Algorithms developed to predict the effect of missense changes on protein structure and function are either unavailable or do not agree on the potential impact of this missense change (SIFT: "Tolerated"; PolyPhen-2: "Probably Damaging"; Align-GVGD: "Class C0"). This variant has not been reported in the literature in individuals affected with TNFSF12-related conditions. This variant is present in population databases (no rsID available, gnomAD 0.007%). This sequence change replaces alanine, which is neutral and non-polar, with valine, which is neutral and non-polar, at codon 108 of the TNFSF12 protein (p.Ala108Val).